The following is an entry in ClinVar:

NM_001374736.1(DST):c.6064A>G (p.Ser2022Gly)

Gene: DST (dystonin; minus strand). Cytogenetic location: 6p12.1.
Variant type: single nucleotide variant.
Coding change: c.6064A>G on transcript NM_001374736.1 (MANE Select); coding-DNA position 6064, A replaced by G.
Protein change: p.Ser2022Gly; replaces serine 2022 with glycine.
Molecular consequence: missense variant. On other transcripts: intron variant (6).
Genome position (GRCh38, 1-based): chr6:56,608,564, T>C on the plus strand (A>G on the coding strand, the complement: DST is on the minus strand). VCF-style: chr6-56608564-T-C. GRCh37 (hg19) VCF-style: chr6-56473362-T-C.
Other names: c.6064A>G, p.Ser2022Gly (NM_001374722.1); c.5431A>G, p.Ser1811Gly (NM_001374729.1); c.6091A>G, p.Ser2031Gly (NM_001374734.1); c.5184+1863A>G (NM_001144769.5); c.4770+1863A>G (NM_001144770.2); c.4650+1863A>G (NM_001374730.1, NM_001386100.1, NM_183380.4); c.3672+1863A>G (NM_015548.5); short protein forms S1811G, S2022G, S2031G.
Identifiers: ClinVar variation 3341603 (VCV003341603.17).

ClinVar aggregate classification (germline): Likely benign. Review status: criteria provided, multiple submitters, no conflicts (2 of 4 stars). 2 submissions from 2 submitters: Likely benign (2). Last evaluated 2024-08-01.

gnomAD v4.1: 1,865 of 1,613,524 alleles (0.12%); highest among the groups gnomAD compares: Non-Finnish European, 0.14%; 1 homozygote.

Submissions (2):

CeGaT Center for Human Genetics Tuebingen
Classification: Likely benign. Last evaluated: 2024-08-01. Review status: criteria provided, single submitter. Criteria: CeGaT Center For Human Genetics Tuebingen Variant Classification Criteria Version 2. Collection method: clinical testing. Allele origin: germline. Affected: yes. Observed: 1 variant allele.
Comment: DST: BP4

Blueprint Genetics
Classification: Likely benign. Last evaluated: 2023-03-13. Review status: criteria provided, single submitter. Criteria: ACMG Guidelines, 2015. Collection method: clinical testing. Allele origin: germline.